The following is an entry in ClinVar:

NM_012120.3(CD2AP):c.846T>C (p.Gly282=)

Gene: CD2AP (CD2 associated protein; plus strand). Cytogenetic location: 6p12.3.
Variant type: single nucleotide variant.
Coding change: c.846T>C on transcript NM_012120.3 (MANE Select); coding-DNA position 846, T replaced by C.
Protein change: p.Gly282=; no amino-acid change (glycine 282 retained).
Molecular consequence: synonymous variant.
Genome position (GRCh38, 1-based): chr6:47,577,046, T>C. VCF-style: chr6-47577046-T-C. GRCh37 (hg19) VCF-style: chr6-47544782-T-C.
Identifiers: ClinVar variation 909445 (VCV000909445.4), dbSNP rs931802678, ClinGen allele CA137942119.

ClinVar aggregate classification (germline): Uncertain significance (1 of 4 stars; one submission).

Conditions:
Focal segmental glomerulosclerosis 3, susceptibility to (FSGS3). Identifiers: Orphanet 656, MedGen C1842982, MONDO:0011917, OMIM 607832.

Allele frequency attached by ClinVar (database versions not stated): gnomAD 0.00001; gnomAD exomes 0.00002; TOPMed 0.00002.
gnomAD v4.1: 32 of 1,534,046 alleles (0.0021%); highest among the groups gnomAD compares: Non-Finnish European, 0.0028%; 1 homozygote.

Submission:

Illumina Laboratory Services, Illumina
Classification: Uncertain significance for Focal segmental glomerulosclerosis 3, susceptibility to. Last evaluated: 2017-04-27. Review status: criteria provided, single submitter. Criteria: ICSL Variant Classification Criteria 13 December 2019. Collection method: clinical testing. Allele origin: germline.
Comment: This variant was observed as part of a predisposition screen in an ostensibly healthy population. A literature search was performed for the gene, cDNA change, and amino acid change (where applicable). Publications were found based on this search. However, the evidence from the literature, in combination with allele frequency data from public databases where available, was not sufficient to rule this variant in or out of causing disease. Therefore, this variant is classified as a variant of unknown significance.

Literature cited by the submitters: PubMed 22971997.